The following is an entry in ClinVar:

NM_194248.3(OTOF):c.5403G>A (p.Ala1801=)

Gene: OTOF (otoferlin; minus strand). Cytogenetic location: 2p23.3.
Variant type: single nucleotide variant.
Coding change: c.5403G>A on transcript NM_194248.3 (MANE Select); coding-DNA position 5403, G replaced by A.
Protein change: p.Ala1801=; no amino-acid change (alanine 1801 retained).
Molecular consequence: synonymous variant.
Genome position (GRCh38, 1-based): chr2:26,461,826, C>T on the plus strand (G>A on the coding strand, the complement: OTOF is on the minus strand). VCF-style: chr2-26461826-C-T. GRCh37 (hg19) VCF-style: chr2-26684694-C-T.
Other names: c.5403G>A, p.Ala1801= (NM_001287489.2); c.3102G>A, p.Ala1034= (NM_004802.4, NM_194323.3); c.3333G>A, p.Ala1111= (NM_194322.3).
Identifiers: ClinVar variation 897956 (VCV000897956.12), dbSNP rs777088497, ClinGen allele CA1562833.

ClinVar aggregate classification (germline): Conflicting classifications of pathogenicity. Review status: criteria provided, conflicting classifications (1 of 4 stars). 3 submissions from 3 submitters: Uncertain significance (1); Likely benign (2). Last evaluated 2025-10-21.

Conditions:
OTOF-related disorder. Also called: OTOF-related condition.
Autosomal recessive nonsyndromic hearing loss 9. Also called: Deafness, autosomal recessive 9; OTOF-Related Hearing Loss; AUDITORY NEUROPATHY, AUTOSOMAL RECESSIVE, 1, TEMPERATURE-SENSITIVE; NEUROSENSORY NONSYNDROMIC RECESSIVE DEAFNESS 9. Identifiers: Orphanet 90636, MedGen C1832828, MONDO:0010986, OMIM 601071.

Allele frequency attached by ClinVar (database versions not stated): gnomAD 0.00007; gnomAD exomes 0.00007 and 0.00014; TOPMed 0.00008; ExAC 0.00012.
gnomAD v4.1: 111 of 1,614,060 alleles (0.0069%); highest among the groups gnomAD compares: East Asian, 0.2%; no homozygotes.

Submissions (3):

PreventionGenetics, part of Exact Sciences
Classification: Likely benign for OTOF-related condition. Last evaluated: 2025-10-21. Review status: criteria provided, single submitter. Criteria: ACMG Guidelines, 2015. Collection method: clinical testing. Allele origin: germline.
Comment: This variant is classified as likely benign based on ACMG/AMP sequence variant interpretation guidelines (Richards et al. 2015 PMID: 25741868, with internal and published modifications).

Labcorp Genetics (formerly Invitae), Labcorp
Classification: Likely benign. Last evaluated: 2024-03-19. Review status: criteria provided, single submitter. Criteria: Invitae Variant Classification Sherloc (09022015). Collection method: clinical testing. Allele origin: germline.

Illumina Laboratory Services, Illumina
Classification: Uncertain significance for Autosomal recessive nonsyndromic hearing loss 9. Last evaluated: 2018-01-12. Review status: criteria provided, single submitter. Criteria: ICSL Variant Classification Criteria 13 December 2019. Collection method: clinical testing. Allele origin: germline.